The following is an entry in ClinVar:

NM_001148.6(ANK2):c.6138_6139del (p.Asn2047fs)

Genes: ANK2 (ankyrin 2; plus strand), LOC126807136 (MED14-independent group 3 enhancer GRCh37_chr4:114274931-114276130; plus strand). Cytogenetic location: 4q26.
Variant type: Microsatellite.
Coding change: c.6138_6139del on transcript NM_001148.6 (MANE Select); coding-DNA positions 6138 to 6139, 2 bases deleted (GA; older notation c.6138_6139delGA).
Protein change: p.Asn2047fs; shifts the reading frame from asparagine 2047.
Molecular consequence: frameshift variant. On other transcripts: intron variant (68).
Genome position (GRCh38, 1-based): chr4:113,354,756-113,354,757, GA deleted; deleting any 2 consecutive bases within chr4:113,354,753-113,354,757 gives the same sequence; the c. name uses the placement nearest the transcript's 3' end. VCF-style (leftmost placement, unchanged base first): chr4-113354752-CAG-C. GRCh37 (hg19) VCF-style: chr4-114275908-CAG-C.
Other names: c.6136_6137GA[1], p.Asn2047Serfs (NM_001148.4); c.5904_5905del, p.Asn1969fs (NM_001386142.1); c.2538_2539del, p.Asn847fs (NM_001386166.1); c.6279_6280del, p.Asn2094fs (NM_001386174.1); c.6255_6256del, p.Asn2086fs (NM_001386175.1); c.4411+4507_4411+4508del (NM_001386186.2, NM_001386148.2); c.4213+4507_4213+4508del (NM_001354269.3); c.4291+4507_4291+4508del (NM_001386187.2); and 37 more; short protein forms N1969fs, N2047fs, N2086fs, N2094fs, N847fs.
Identifiers: ClinVar variation 3030812 (VCV003030812.2), dbSNP rs2505509206, ClinGen allele CA2740091561.

ClinVar aggregate classification (germline): Likely pathogenic (0 of 4 stars; one submission).

Conditions:
ANK2-related disorder. Also called: ANK2-related condition.

Submission:

PreventionGenetics, part of Exact Sciences
Classification: Likely pathogenic for ANK2-related condition. Last evaluated: 2023-11-10. Review status: no assertion criteria provided. Collection method: clinical testing. Allele origin: germline.
Comment: The ANK2 c.6138_6139delGA variant is predicted to result in a frameshift and premature protein termination (p.Asn2047Serfs*29). To our knowledge, this variant has not been reported in the literature or in a large population database, indicating this variant is rare. Frameshift variants in ANK2 are expected to be pathogenic. This variant is interpreted as likely pathogenic in the context of autism spectrum disorder, but has uncertain clinical significance in the context of cardiac disorders also associated with this gene.